The following is an entry in ClinVar:

ClinVar aggregate classification (germline): Likely benign. Review status: criteria provided, multiple submitters, no conflicts (2 of 4 stars). 4 submissions from 4 submitters: Likely benign (2). 2 of the submissions do not count toward it. Last evaluated 2022-01-20.

Conditions:
NAGS-related disorder. Also called: NAGS-related condition.
Hyperammonemia, type III (NAGSD). Also called: Hyperammonemia due to N-acetylglutamate synthase deficiency. Identifiers: Orphanet 927, MedGen C0268543, MONDO:0009377, OMIM 237310.

Allele frequency attached by ClinVar (database versions not stated): gnomAD 0.00002 and 0.00009; TOPMed 0.00002; gnomAD exomes 0.00023 and 0.00027; 1000 Genomes Project 30x 0.00047; ExAC 0.00055; 1000 Genomes Project 0.00060.

Submissions (4):

Fulgent Genetics
Classification: Likely benign for Hyperammonemia, type III. Last evaluated: 2022-01-20. Review status: criteria provided, single submitter. Criteria: ACMG Guidelines, 2015. Collection method: clinical testing. Allele origin: unknown.

Labcorp Genetics (formerly Invitae), Labcorp
Classification: Likely benign for Hyperammonemia, type III. Last evaluated: 2021-04-04. Review status: criteria provided, single submitter. Criteria: Invitae Variant Classification Sherloc (09022015). Collection method: clinical testing. Allele origin: germline.

PreventionGenetics, part of Exact Sciences
Classification: Likely benign for NAGS-related condition. Last evaluated: 2024-08-06. Review status: no assertion criteria provided. Collection method: clinical testing. Allele origin: germline. Not counted in ClinVar's aggregate classification.
Comment: This variant is classified as likely benign based on ACMG/AMP sequence variant interpretation guidelines (Richards et al. 2015 PMID: 25741868, with internal and published modifications).

Department of Mental Retardation and Birth Defect Research,  National Center of Neurology and Psychiatry
No classification provided. Review status: no classification provided. Collection method: not provided. Allele origin: unknown. Not counted in ClinVar's aggregate classification.

NM_153006.3(NAGS):c.505A>T (p.Met169Leu)

Gene: NAGS (N-acetylglutamate synthase; plus strand). Cytogenetic location: 17q21.31.
Variant type: single nucleotide variant.
Coding change: c.505A>T on transcript NM_153006.3 (MANE Select); coding-DNA position 505, A replaced by T.
Protein change: p.Met169Leu; replaces methionine 169 with leucine.
Molecular consequence: missense variant.
Genome position (GRCh38, 1-based): chr17:44,005,715, A>T. VCF-style: chr17-44005715-A-T. GRCh37 (hg19) VCF-style: chr17-42083083-A-T.
Other names: short protein forms M169L.
Identifiers: ClinVar variation 156438 (VCV000156438.11), dbSNP rs569174201, ClinGen allele CA233233.